The following is an entry in ClinVar:

NM_015338.6(ASXL1):c.1633C>T (p.Arg545Cys)

Gene: ASXL1 (ASXL transcriptional regulator 1; plus strand). Cytogenetic location: 20q11.21.
Variant type: single nucleotide variant.
Coding change: c.1633C>T on transcript NM_015338.6 (MANE Select); coding-DNA position 1633, C replaced by T.
Protein change: p.Arg545Cys; replaces arginine 545 with cysteine.
Molecular consequence: missense variant.
Genome position (GRCh38, 1-based): chr20:32,433,831, C>T. VCF-style: chr20-32433831-C-T. GRCh37 (hg19) VCF-style: chr20-31021634-C-T.
Other names: c.1450C>T, p.Arg484Cys (NM_001363734.1); short protein forms R484C, R545C.
Identifiers: ClinVar variation 727152 (VCV000727152.15), dbSNP rs137920574, ClinGen allele CA9808398.

ClinVar aggregate classification (germline): Benign/Likely benign. Review status: criteria provided, multiple submitters, no conflicts (2 of 4 stars). 4 submissions from 4 submitters: Benign (2); Likely benign (1). 1 of the submissions does not count toward it. Last evaluated 2024-12-03.

Conditions:
ASXL1-related disorder. Also called: ASXL1-related condition; ASXL1-related disorders.
Bohring-Opitz syndrome. Also called: OPITZ TRIGONOCEPHALY-LIKE SYNDROME; C-LIKE SYNDROME; BOHRING SYNDROME; ASXL1-Related Bohring-Opitz Syndrome. Identifiers: Orphanet 97297, MedGen C0796232, MONDO:0011510, OMIM 605039.

Allele frequency attached by ClinVar (database versions not stated): ExAC 0.00003; ESP Exome Variant Server 0.00008; gnomAD 0.00026 and 0.00028; TOPMed 0.00026.
gnomAD v4.1: 74 of 1,613,950 alleles (0.0046%); highest among the groups gnomAD compares: African/African-American, 0.079%; no homozygotes.

Submissions (4):

Labcorp Genetics (formerly Invitae), Labcorp
Classification: Likely benign. Last evaluated: 2024-12-03. Review status: criteria provided, single submitter. Criteria: Invitae Variant Classification Sherloc (09022015). Collection method: clinical testing. Allele origin: germline.

Genome-Nilou Lab
Classification: Benign for Bohring-Opitz syndrome. Last evaluated: 2021-12-05. Review status: criteria provided, single submitter. Criteria: ACMG Guidelines, 2015. Collection method: clinical testing. Allele origin: germline. Affected: no.

GeneDx
Classification: Benign. Last evaluated: 2021-04-21. Review status: criteria provided, single submitter. Criteria: GeneDx Variant Classification Process June 2021. Collection method: clinical testing. Allele origin: germline. Affected: yes.

PreventionGenetics, part of Exact Sciences
Classification: Likely benign for ASXL1-related condition. Last evaluated: 2022-04-06. Review status: no assertion criteria provided. Collection method: clinical testing. Allele origin: germline. Not counted in ClinVar's aggregate classification.
Comment: This variant is classified as likely benign based on ACMG/AMP sequence variant interpretation guidelines (Richards et al. 2015 PMID: 25741868, with internal and published modifications).